The following is an entry in ClinVar:

ClinVar aggregate classification (germline): Uncertain significance (1 of 4 stars; one submission).

Conditions:
Landau-Kleffner syndrome (FESD). Also called: EPILEPSY, FOCAL, WITH SPEECH DISORDER AND WITH OR WITHOUT MENTAL RETARDATION; APHASIA, ACQUIRED, WITH EPILEPSY. Identifiers: Orphanet 1945, Orphanet 725, Orphanet 98818, MedGen C0282512, MONDO:0009509, OMIM 245570.

Submission:

Labcorp Genetics (formerly Invitae), Labcorp
Classification: Uncertain significance for Landau-Kleffner syndrome. Last evaluated: 2025-06-19. Review status: criteria provided, single submitter. Criteria: Invitae Variant Classification Sherloc (09022015). Collection method: clinical testing. Allele origin: germline.
Comment: This sequence change replaces glutamine, which is neutral and polar, with arginine, which is basic and polar, at codon 106 of the GRIN2A protein (p.Gln106Arg). This variant is not present in population databases (gnomAD no frequency). This variant has not been reported in the literature in individuals affected with GRIN2A-related conditions. Invitae Evidence Modeling of protein sequence and biophysical properties (such as structural, functional, and spatial information, amino acid conservation, physicochemical variation, residue mobility, and thermodynamic stability) has been performed for this missense variant. However, the output from this modeling did not meet the statistical confidence thresholds required to predict the impact of this variant on GRIN2A protein function. In summary, the available evidence is currently insufficient to determine the role of this variant in disease. Therefore, it has been classified as a Variant of Uncertain Significance.

NM_001134407.3(GRIN2A):c.317A>G (p.Gln106Arg)

Gene: GRIN2A (glutamate ionotropic receptor NMDA type subunit 2A; minus strand). Cytogenetic location: 16p13.2.
Variant type: single nucleotide variant.
Coding change: c.317A>G on transcript NM_001134407.3 (MANE Select); coding-DNA position 317, A replaced by G.
Protein change: p.Gln106Arg; replaces glutamine 106 with arginine.
Molecular consequence: missense variant.
Genome position (GRCh38, 1-based): chr16:10,180,095, T>C on the plus strand (A>G on the coding strand, the complement: GRIN2A is on the minus strand). VCF-style: chr16-10180095-T-C. GRCh37 (hg19) VCF-style: chr16-10273952-T-C.
Other names: c.317A>G, p.Gln106Arg (NM_000833.5, NM_001134408.2); short protein forms Q106R.
Identifiers: ClinVar variation 4745857 (VCV004745857.1).
Genomic context (GRCh38, chr16:10,180,095, plus strand): 5'-CCCAAGATGGGGACGAAGGTGTGGGAGGAGATAAAATCCAGCATCTGGGCTACGGCCTCC[T>C]GGTCCGTGTCGTCCCCAAACACGAGGCCGTGGATGCGTGCCCCGGACATGAGGTCGCACA-3'
Protein context (NP_001127879.1, residues 96-116): HGLVFGDDTD[Gln106Arg]EAVAQMLDFI